The following is an entry in ClinVar:

ClinVar aggregate classification (germline): Uncertain significance. Review status: criteria provided, multiple submitters, no conflicts (2 of 4 stars). 3 submissions from 3 submitters: Uncertain significance (3). Last evaluated 2025-10-02.

Conditions:
Dilated cardiomyopathy 1G (CMD1G). Identifiers: Orphanet 154, MedGen C1858763, MONDO:0011400, OMIM 604145.
Autosomal recessive limb-girdle muscular dystrophy type 2J (LGMDR10). Also called: Limb-girdle muscular dystrophy, type 2J; MUSCULAR DYSTROPHY, LIMB-GIRDLE, AUTOSOMAL RECESSIVE 10. Identifiers: Orphanet 140922, MedGen C1837342, MONDO:0012127, OMIM 608807.

Allele frequency attached by ClinVar (database versions not stated): gnomAD exomes below 0.00001; ExAC 0.00001; gnomAD 0.00002; TOPMed 0.00002.
gnomAD v4.1: 5 of 1,613,578 alleles (0.00031%); highest among the groups gnomAD compares: African/African-American, 0.0067%; no homozygotes.

Submissions (3):

Mayo Clinic Laboratories, Mayo Clinic
Classification: Uncertain significance. Last evaluated: 2025-10-02. Review status: criteria provided, single submitter. Criteria: ACMG Guidelines, 2015. Collection method: clinical testing. Allele origin: germline. Observed: 1 variant allele.
Comment: PP3, PM2_supporting

GeneDx
Classification: Uncertain significance. Last evaluated: 2019-10-17. Review status: criteria provided, single submitter. Criteria: GeneDx Variant Classification Process June 2021. Collection method: clinical testing. Allele origin: germline. Affected: yes.
Comment: Not observed at a significant frequency in large population cohorts (Lek et al., 2016); Missense variant in a gene in which most reported pathogenic variants are truncating/loss-of-function; Has not been previously published as pathogenic or benign to our knowledge; In silico analysis, which includes protein predictors and evolutionary conservation, supports that this variant does not alter protein structure/function

Labcorp Genetics (formerly Invitae), Labcorp
Classification: Uncertain significance for Dilated cardiomyopathy 1G; Autosomal recessive limb-girdle muscular dystrophy type 2J. Last evaluated: 2016-07-16. Review status: criteria provided, single submitter. Criteria: Invitae Variant Classification Sherloc (09022015). Collection method: clinical testing. Allele origin: germline.

NM_001267550.2(TTN):c.85301A>C (p.Asn28434Thr)

Genes: TTN (titin; minus strand), TTN-AS1 (TTN antisense RNA 1; plus strand). Cytogenetic location: 2q31.2.
Variant type: single nucleotide variant.
Coding change: c.85301A>C on transcript NM_001267550.2 (MANE Select); coding-DNA position 85301, A replaced by C.
Protein change: p.Asn28434Thr; replaces asparagine 28434 with threonine.
Molecular consequence: missense variant.
Genome position (GRCh38, 1-based): chr2:178,560,831, T>G on the plus strand (A>C on the coding strand, the complement: TTN is on the minus strand). VCF-style: chr2-178560831-T-G. GRCh37 (hg19) VCF-style: chr2-179425558-T-G.
Other names: p.Asn26793Thr; c.80378A>C, p.Asn26793Thr (NM_001256850.1); c.58106A>C, p.Asn19369Thr (NM_003319.4); c.77597A>C, p.Asn25866Thr (NM_133378.4); c.58481A>C, p.Asn19494Thr (NM_133432.3); c.58682A>C, p.Asn19561Thr (NM_133437.4); short protein forms N28434T, N19561T, N26793T, N25866T, N19369T, N19494T.
Identifiers: ClinVar variation 404710 (VCV000404710.6), dbSNP rs758519100, ClinGen allele CA1988667.
Genomic context (GRCh38, chr2:178,560,831, plus strand): 5'-GGTGGACCAGGCTTATCAAGTACTTTGCAATTAACGGCCACAGACCGAGTGCCGGCAACA[T>G]TCTTCAGTGTTAGTACATATTGCCCAGTGTCTCGTCTTATACAGTCTTTAACTGTTAACA-3'
Protein context (NP_001254479.2, residues 28424-28444): DTGQYVLTLK[Asn28434Thr]VAGTRSVAVN